The following is an entry in ClinVar:

ClinVar aggregate classification (germline): Benign/Likely benign. Review status: criteria provided, multiple submitters, no conflicts (2 of 4 stars). 4 submissions from 4 submitters: Benign (1); Likely benign (1). 2 of the submissions do not count toward it. Last evaluated 2025-07-07.

Conditions:
Nance-Horan syndrome (NHS). Identifiers: Orphanet 627, MedGen C0796085, MONDO:0010545, OMIM 302350.

Allele frequency attached by ClinVar (database versions not stated): TOPMed 0.00002; gnomAD exomes 0.00003 and 0.00004; gnomAD 0.00004; ExAC 0.00006; ESP Exome Variant Server 0.00009.
gnomAD v4.1: 37 of 1,210,210 alleles (0.0031%); highest among the groups gnomAD compares: Middle Eastern, 0.069%; no homozygotes.

Submissions (4):

Labcorp Genetics (formerly Invitae), Labcorp
Classification: Benign for Nance-Horan syndrome. Last evaluated: 2025-07-07. Review status: criteria provided, single submitter. Criteria: Invitae Variant Classification Sherloc (09022015). Collection method: clinical testing. Allele origin: germline.

CeGaT Center for Human Genetics Tuebingen
Classification: Likely benign. Last evaluated: 2024-10-01. Review status: criteria provided, single submitter. Criteria: CeGaT Center For Human Genetics Tuebingen Variant Classification Criteria Version 2. Collection method: clinical testing. Allele origin: germline. Affected: yes. Observed: 2 variant alleles.
Comment: NHS: BS2

Clinical Genetics DNA and cytogenetics Diagnostics Lab, Erasmus MC, Erasmus Medical Center
Classification: Uncertain significance. Review status: no assertion criteria provided. Collection method: clinical testing. Allele origin: germline. Affected: yes. Study: VKGL Data-share Consensus. Not counted in ClinVar's aggregate classification.

Diagnostic Laboratory, Department of Genetics, University Medical Center Groningen
Classification: Uncertain significance. Review status: no assertion criteria provided. Collection method: clinical testing. Allele origin: germline. Affected: yes. Study: VKGL Data-share Consensus. Not counted in ClinVar's aggregate classification.

NM_001291867.2(NHS):c.2663T>C (p.Met888Thr)

Gene: NHS (NHS actin remodeling regulator; plus strand). Cytogenetic location: Xp22.13.
Variant type: single nucleotide variant.
Coding change: c.2663T>C on transcript NM_001291867.2 (MANE Select); coding-DNA position 2663, T replaced by C.
Protein change: p.Met888Thr; replaces methionine 888 with threonine.
Molecular consequence: missense variant.
Genome position (GRCh38, 1-based): chrX:17,726,769, T>C. VCF-style: chrX-17726769-T-C. GRCh37 (hg19) VCF-style: chrX-17744889-T-C.
Other names: c.2132T>C, p.Met711Thr (NM_001136024.4); c.2069T>C, p.Met690Thr (NM_001291868.2); c.2600T>C, p.Met867Thr (NM_198270.4); short protein forms M690T, M711T, M867T, M888T.
Identifiers: ClinVar variation 1174909 (VCV001174909.33), dbSNP rs200321491, ClinGen allele CA10358739.
Genomic context (GRCh38, chrX:17,726,769, plus strand): 5'-CTGAGAAGAAAGAACCAAAGATAAGCAGTGGTCAGCACCTGCCTCACAGTTCCAGGGAAA[T>C]GAAGCTGCCTCTTGATTTCGCCAACACGCCTTCTCGAATGGAAAACGCCAATCTTCCCAC-3'
Protein context (NP_001278796.1, residues 878-898): GQHLPHSSRE[Met888Thr]KLPLDFANTP